The following is an entry in ClinVar:

ClinVar aggregate classification (germline): Conflicting classifications of pathogenicity. Review status: criteria provided, conflicting classifications (1 of 4 stars). 3 submissions from 3 submitters: Uncertain significance (2); Likely benign (1). Last evaluated 2025-05-19.

Conditions:
Hereditary cancer-predisposing syndrome. Also called: Neoplastic Syndromes, Hereditary; Tumor predisposition; Hereditary neoplastic syndrome; Hereditary Cancer Syndrome. Identifiers: Orphanet 140162, MedGen C0027672, MeSH D009386, MONDO:0015356.
Hereditary breast ovarian cancer syndrome. Also called: Hereditary breast and ovarian cancer syndrome (HBOC); Breast and ovarian cancer; Hereditary breast and/or ovarian cancer syndrome; BRCA1- and BRCA2-Associated Hereditary Breast and Ovarian Cancer; Hereditary breast and ovarian cancer syndrome; Hereditary breast and ovarian cancer. Identifiers: Orphanet 145, MedGen C0677776, MeSH D061325, MONDO:0003582. Disease mechanism: loss of function.

Allele frequency attached by ClinVar (database versions not stated): TOPMed below 0.00001.

Submissions (3):

Ambry Genetics
Classification: Likely benign for Hereditary cancer-predisposing syndrome. Last evaluated: 2025-05-19. Review status: criteria provided, single submitter. Criteria: Ambry Variant Classification Scheme 2023. Collection method: clinical testing. Allele origin: germline.

Color Diagnostics, LLC DBA Color Health
Classification: Uncertain significance for Hereditary cancer-predisposing syndrome. Last evaluated: 2024-08-05. Review status: criteria provided, single submitter. Criteria: ACMG Guidelines, 2015. Collection method: clinical testing. Allele origin: germline.
Comment: This missense variant replaces leucine with valine at codon 2604 of the BRCA2 protein. Computational prediction is inconclusive regarding the impact of this variant on protein structure and function. To our knowledge, functional studies have not been reported for this variant. This variant has not been reported in individuals affected with BRCA2-related disorders in the literature. A different missense variant at this codon, c.7811T>C (p.Leu2604Pro), has been reported to be disease-causing in ClinVar (variation ID: 96859) and found to be defective in functional assays (PMID: 32444794, 33609447). This variant has not been identified in the general population by the Genome Aggregation Database (gnomAD). The available evidence is insufficient to determine the role of this variant in disease conclusively. Therefore, this variant is classified as a Variant of Uncertain Significance.

Labcorp Genetics (formerly Invitae), Labcorp
Classification: Uncertain significance for Hereditary breast ovarian cancer syndrome. Last evaluated: 2024-06-11. Review status: criteria provided, single submitter. Criteria: Invitae Variant Classification Sherloc (09022015). Collection method: clinical testing. Allele origin: germline.
Comment: This sequence change replaces leucine, which is neutral and non-polar, with valine, which is neutral and non-polar, at codon 2604 of the BRCA2 protein (p.Leu2604Val). This variant is not present in population databases (gnomAD no frequency). This variant has not been reported in the literature in individuals affected with BRCA2-related conditions. Advanced modeling of protein sequence and biophysical properties (such as structural, functional, and spatial information, amino acid conservation, physicochemical variation, residue mobility, and thermodynamic stability) performed at Invitae indicates that this missense variant is not expected to disrupt BRCA2 protein function with a negative predictive value of 95%. In summary, the available evidence is currently insufficient to determine the role of this variant in disease. Therefore, it has been classified as a Variant of Uncertain Significance.

Literature cited by the submitters: PubMed 32444794 (cited by Color Diagnostics, LLC DBA Color Health); PubMed 33609447 (cited by Color Diagnostics, LLC DBA Color Health).

NM_000059.4(BRCA2):c.7810C>G (p.Leu2604Val)

Gene: BRCA2 (BRCA2 DNA repair associated; plus strand). Cytogenetic location: 13q13.1.
Variant type: single nucleotide variant.
Coding change: c.7810C>G on transcript NM_000059.4 (MANE Select); coding-DNA position 7810, C replaced by G.
Protein change: p.Leu2604Val; replaces leucine 2604 with valine.
Molecular consequence: missense variant. On other transcripts: non-coding transcript variant (1).
Genome position (GRCh38, 1-based): chr13:32,362,527, C>G. VCF-style: chr13-32362527-C-G. GRCh37 (hg19) VCF-style: chr13-32936664-C-G.
Other names: c.7714C>G, p.Leu2572Val (NM_001406719.1); c.7810C>G, p.Leu2604Val (NM_001406720.1); c.2878C>G, p.Leu960Val (NM_001406721.1); c.1393C>G, p.Leu465Val (NM_001406722.1); short protein forms L2572V, L2604V, L465V, L960V.
Identifiers: ClinVar variation 3228944 (VCV003228944.5), dbSNP rs1381434852, ClinGen allele CA387746935.